The following is an entry in ClinVar:

ClinVar aggregate classification (germline): Pathogenic (1 of 4 stars; one submission).

Conditions:
Primary ciliary dyskinesia. Also called: Ciliary dyskinesia. Identifiers: Orphanet 244, MedGen C0008780, MONDO:0016575, HP:0012265.

Submission:

Labcorp Genetics (formerly Invitae), Labcorp
Classification: Pathogenic for Primary ciliary dyskinesia. Last evaluated: 2023-02-14. Review status: criteria provided, single submitter. Criteria: Invitae Variant Classification Sherloc (09022015). Collection method: clinical testing. Allele origin: unknown.
Comment: This variant is a gross deletion of the genomic region encompassing exon(s) 27-30 of the DNAH5 gene. This variant would be expected to be in-frame, preserving the integrity of the reading frame. This variant has not been reported in the literature in individuals affected with DNAH5-related conditions. This variant disrupts a region of the DNAH5 protein in which other variant(s) (Deletion (Exons 29-30)) have been determined to be pathogenic (PMID: 32253119). This suggests that this is a clinically significant region of the protein, and that variants that disrupt it are likely to be disease-causing. For these reasons, this variant has been classified as Pathogenic.

Literature cited by the submitters: PubMed 32253119.

NC_000005.9:g.(?_13859541)_(13866035_?)del

Gene: DNAH5 (dynein axonemal heavy chain 5; minus strand). Cytogenetic location: 5p15.2.
Variant type: Deletion.
Identifiers: ClinVar variation 3246257 (VCV003246257.1).